The following is an entry in ClinVar:

ClinVar aggregate classification (germline): Pathogenic. Review status: criteria provided, multiple submitters, no conflicts (2 of 4 stars). 7 submissions from 7 submitters: Pathogenic (5). 2 of the submissions do not count toward it. Last evaluated 2025-03-31.

Conditions:
Bloom syndrome (BLM). Also called: Bloom-Torre-Machacek syndrome. Identifiers: Orphanet 125, MedGen C0005859, MONDO:0008876, OMIM 210900.

Allele frequency attached by ClinVar (database versions not stated): gnomAD exomes below 0.00001; TOPMed below 0.00001.

Submissions (7):

Natera, Inc.
Classification: Pathogenic for Bloom syndrome. Last evaluated: 2025-03-31. Review status: criteria provided, single submitter. Criteria: Natera Variant Classification Schema (03/2026). Collection method: clinical testing. Allele origin: germline.
Comment: The c.2407dupT variant in BLM is a frameshift variant predicted to shift the reading frame beginning at codon 803 and leads to a stop codon 4 codons downstream. This variant is expected to result in nonsense mediated decay, truncation, or a dysfunctional protein product. This variant is rare in the general population with a frequency below the threshold expected for the associated phenotype(s). This variant has been observed in one or more individuals affected with the associated recessive disease, as either homozygous or compound heterozygous with a second variant (PMID: 17407155). Given the available evidence, this variant is classified as Pathogenic.

Labcorp Genetics (formerly Invitae), Labcorp
Classification: Pathogenic for Bloom syndrome. Last evaluated: 2021-04-27. Review status: criteria provided, single submitter. Criteria: Invitae Variant Classification Sherloc (09022015). Collection method: clinical testing. Allele origin: germline.
Comment: For these reasons, this variant has been classified as Pathogenic. This variant has been observed in individual(s) with Bloom syndrome (PMID: 17407155). ClinVar contains an entry for this variant (Variation ID: 42177). This variant is not present in population databases (ExAC no frequency). This sequence change creates a premature translational stop signal (p.Trp803Leufs*4) in the BLM gene. It is expected to result in an absent or disrupted protein product. Loss-of-function variants in BLM are known to be pathogenic (PMID: 17407155).

Women's Health and Genetics/Laboratory Corporation of America, LabCorp
Classification: Pathogenic for Bloom syndrome. Last evaluated: 2019-10-28. Review status: criteria provided, single submitter. Criteria: LabCorp Variant Classification Summary - May 2015. Collection method: clinical testing. Allele origin: germline.
Comment: Variant summary: BLM c.2407dupT (p.Trp803LeufsX4) results in a premature termination codon, predicted to cause a truncation of the encoded protein or absence of the protein due to nonsense mediated decay, which are commonly known mechanisms for disease. The variant allele was found at a frequency of 4e-06 in 251410 control chromosomes (gnomAD). c.2407dupT has been reported in the literature in individuals affected with Bloom Syndrome (German_2007). Two ClinVar submitters including a reputable database (Gene Reviews) (evaluation after 2014) cite the variant as pathogenic. Furthermore, Gene Reviews reports the variant as the second most common pathogenic variant for Bloom Syndrome in the Ashkenazi Jewish population (Flanagan_2019). Based on the evidence outlined above, the variant was classified as pathogenic.

GeneDx
Classification: Pathogenic. Last evaluated: 2017-12-18. Review status: criteria provided, single submitter. Criteria: GeneDx Variant Classification (06012015). Collection method: clinical testing. Allele origin: germline. Affected: yes.
Comment: The c.2407dupT variant in the BLM gene has been previously reported previously in the heterozygous state in at least two individuals with Bloom syndrome. Information on a second variant in these individuals was not specified (German et al., 2007). This duplication causes a frameshift starting with codon Tryptophan 803, changes this amino acid to a Leucine residue and creates a premature Stop codon at position 4 of the new reading frame, denoted p.Trp803LeufsX4. This variant is predicted to cause loss of normal protein function either through protein truncation or nonsense-mediated mRNA decay. Based on currently available evidence, we consider c.2407dupT to be pathogenic.

Eurofins Ntd Llc (ga)
Classification: Pathogenic. Last evaluated: 2014-07-14. Review status: criteria provided, single submitter. Criteria: EGL Classification Definitions. Collection method: clinical testing. Allele origin: germline. Observed: 1 variant allele, 1 heterozygote.

Counsyl
Classification: Likely pathogenic for Bloom syndrome. Last evaluated: 2015-04-28. Review status: no assertion criteria provided. Collection method: clinical testing. Allele origin: unknown. Not counted in ClinVar's aggregate classification.

GeneReviews
No classification provided. Condition: Bloom syndrome. Review status: no classification provided. Collection method: literature only. Allele origin: germline. Not counted in ClinVar's aggregate classification.

Literature cited by the submitters: PubMed 17407155 (cited by 5 submitters); PubMed 20301572 (cited by Women's Health and Genetics/Laboratory Corporation of America, LabCorp and GeneReviews).

NM_000057.4(BLM):c.2407dup (p.Trp803fs)

Gene: BLM (BLM RecQ like helicase; plus strand). Cytogenetic location: 15q26.1.
Variant type: Duplication.
Coding change: c.2407dup on transcript NM_000057.4 (MANE Select); coding-DNA position 2407, one base duplicated (T; older notation c.2407dupT).
Protein change: p.Trp803fs; shifts the reading frame from tryptophan 803.
Molecular consequence: frameshift variant.
Genome position (GRCh38, 1-based): chr15:90,769,438, T duplicated. VCF-style (leftmost placement, unchanged base first): chr15-90769437-G-GT. GRCh37 (hg19) VCF-style: chr15-91312667-G-GT.
Other names: c.2407dup (LRG_20t1); c.2407dup, p.Trp803fs (NM_001287246.2, NM_001287247.2); c.1282dup, p.Trp428fs (NM_001287248.2); short protein forms W428fs, W803fs.
Identifiers: ClinVar variation 42177 (VCV000042177.22), dbSNP rs367543012, ClinGen allele CA344653.